The following is an entry in ClinVar:

ClinVar aggregate classification (germline): Uncertain significance. Review status: criteria provided, multiple submitters, no conflicts (2 of 4 stars). 2 submissions from 2 submitters: Uncertain significance (2). Last evaluated 2024-02-14.

Conditions:
Renal tubular acidosis, distal, 3, with or without sensorineural hearing loss (DRTA3). Identifiers: MedGen C5399980, MONDO:0011268, OMIM 602722.

Allele frequency attached by ClinVar (database versions not stated): gnomAD exomes below 0.00001; gnomAD 0.00001; TOPMed 0.00001.
gnomAD v4.1: 3 of 1,613,330 alleles (0.00019%); highest among the groups gnomAD compares: Non-Finnish European, 0.00025%; no homozygotes.

Submissions (2):

Fulgent Genetics
Classification: Uncertain significance for Renal tubular acidosis, distal, 3, with or without sensorineural hearing loss. Last evaluated: 2024-02-14. Review status: criteria provided, single submitter. Criteria: ACMG Guidelines, 2015. Collection method: clinical testing. Allele origin: germline.

GeneDx
Classification: Uncertain significance. Last evaluated: 2019-08-14. Review status: criteria provided, single submitter. Criteria: GeneDx Variant Classification Process June 2021. Collection method: clinical testing. Allele origin: germline. Affected: yes.
Comment: Not observed at a significant frequency in large population cohorts (Lek et al., 2016); In silico analysis, which includes protein predictors and evolutionary conservation, supports a deleterious effect; Has not been previously published as pathogenic or benign to our knowledge

NM_020632.3(ATP6V0A4):c.1593C>G (p.Asn531Lys)

Gene: ATP6V0A4 (ATPase H+ transporting V0 subunit a4; minus strand). Cytogenetic location: 7q34.
Variant type: single nucleotide variant.
Coding change: c.1593C>G on transcript NM_020632.3 (MANE Select); coding-DNA position 1593, C replaced by G.
Protein change: p.Asn531Lys; replaces asparagine 531 with lysine.
Molecular consequence: missense variant.
Genome position (GRCh38, 1-based): chr7:138,734,234, G>C on the plus strand (C>G on the coding strand, the complement: ATP6V0A4 is on the minus strand). VCF-style: chr7-138734234-G-C. GRCh37 (hg19) VCF-style: chr7-138418979-G-C.
Other names: c.1593C>G, p.Asn531Lys (NM_130840.3, NM_130841.3); short protein forms N531K.
Identifiers: ClinVar variation 1307619 (VCV001307619.3), dbSNP rs1445192708, ClinGen allele CA369379859.